The following is an entry in ClinVar:

NM_001039591.3(USP9X):c.3491A>G (p.Tyr1164Cys)

Gene: USP9X (ubiquitin specific peptidase 9 X-linked; plus strand). Cytogenetic location: Xp11.4.
Variant type: single nucleotide variant.
Coding change: c.3491A>G on transcript NM_001039591.3 (MANE Select); coding-DNA position 3491, A replaced by G.
Protein change: p.Tyr1164Cys; replaces tyrosine 1164 with cysteine.
Molecular consequence: missense variant.
Genome position (GRCh38, 1-based): chrX:41,184,608, A>G. VCF-style: chrX-41184608-A-G. GRCh37 (hg19) VCF-style: chrX-41043861-A-G.
Other names: c.3491A>G, p.Tyr1164Cys (NM_001039590.3); short protein forms Y1164C.
Identifiers: ClinVar variation 985940 (VCV000985940.7), dbSNP rs2062857166, ClinGen allele CA412765086.
Genomic context (GRCh38, chrX:41,184,608, plus strand): 5'-GAAGGGGTGCCTACCTCAATGCTCTTAAAATAGCCAAGCTTTTGCTAACTGCCATTGGCT[A>G]TGGTCATGTTCGAGCTGTGGCAGAAGCTTGTCAGCCAGGTGTAGAAGGTGTGAATCCCAT-3'
Protein context (NP_001034680.2, residues 1154-1174): IAKLLLTAIG[Tyr1164Cys]GHVRAVAEAC

ClinVar aggregate classification (germline): Uncertain significance. Review status: criteria provided, multiple submitters, no conflicts (2 of 4 stars). 2 submissions from 2 submitters: Uncertain significance (2). Last evaluated 2022-04-26.

Conditions:
Inborn genetic diseases. Identifiers: MedGen C0950123, MeSH D030342.

Allele frequency attached by ClinVar (database versions not stated): gnomAD exomes below 0.00001; gnomAD 0.00001.
gnomAD v4.1: 4 of 1,210,249 alleles (0.00033%); highest among the groups gnomAD compares: South Asian, 0.0018%; no homozygotes.

Submissions (2):

Labcorp Genetics (formerly Invitae), Labcorp
Classification: Uncertain significance. Last evaluated: 2022-04-26. Review status: criteria provided, single submitter. Criteria: Invitae Variant Classification Sherloc (09022015). Collection method: clinical testing. Allele origin: germline.
Comment: This variant has not been reported in the literature in individuals affected with USP9X-related conditions. This variant is not present in population databases (gnomAD no frequency). This sequence change replaces tyrosine, which is neutral and polar, with cysteine, which is neutral and slightly polar, at codon 1164 of the USP9X protein (p.Tyr1164Cys). ClinVar contains an entry for this variant (Variation ID: 985940). In summary, the available evidence is currently insufficient to determine the role of this variant in disease. Therefore, it has been classified as a Variant of Uncertain Significance. Algorithms developed to predict the effect of missense changes on protein structure and function are either unavailable or do not agree on the potential impact of this missense change (SIFT: "Deleterious"; PolyPhen-2: "Possibly Damaging"; Align-GVGD: "Class C0").

Ambry Genetics
Classification: Uncertain significance for Inborn genetic diseases. Last evaluated: 2018-09-28. Review status: criteria provided, single submitter. Criteria: Ambry exome assertion method (8-5-2015). Collection method: clinical testing. Allele origin: germline. Affected: yes. Observed: 1 variant allele.